The following is an entry in ClinVar:

NM_032638.5(GATA2):c.1183A>G (p.Thr395Ala)

Gene: GATA2 (GATA binding protein 2; minus strand). Cytogenetic location: 3q21.3.
Variant type: single nucleotide variant.
Coding change: c.1183A>G on transcript NM_032638.5 (MANE Select); coding-DNA position 1183, A replaced by G.
Protein change: p.Thr395Ala; replaces threonine 395 with alanine.
Molecular consequence: missense variant.
Genome position (GRCh38, 1-based): chr3:128,481,279, T>C on the plus strand (A>G on the coding strand, the complement: GATA2 is on the minus strand). VCF-style: chr3-128481279-T-C. GRCh37 (hg19) VCF-style: chr3-128200122-T-C.
Other names: c.1183A>G, p.Thr395Ala (NM_001145661.2); c.1141A>G, p.Thr381Ala (NM_001145662.1); short protein forms T395A, T381A.
Identifiers: ClinVar variation 4620619 (VCV004620619.1).
Genomic context (GRCh38, chr3:128,481,279, plus strand): 5'-CGAAGCACTCCGCCCCTTTCTTGCTCTTCTTGGACTTGTTGGACATCTTCCGGTTCCGAG[T>C]CTGGATCCCTTCCTTCTTCATGGTCAGTGGCCTGTTAACCTAGAGGCAACCACCAGTTTT-3'
Protein context (NP_116027.2, residues 385-405): PLTMKKEGIQ[Thr395Ala]RNRKMSNKSK

ClinVar aggregate classification (germline): Uncertain significance (1 of 4 stars; one submission).

Conditions:
Inborn genetic diseases. Identifiers: MedGen C0950123, MeSH D030342.

Submission:

Ambry Genetics
Classification: Uncertain significance for Inborn genetic diseases. Last evaluated: 2025-09-23. Review status: criteria provided, single submitter. Criteria: Ambry Variant Classification Scheme 2023. Collection method: clinical testing. Allele origin: germline.
Comment: The p.T395A variant (also known as c.1183A>G), located in coding exon 5 of the GATA2 gene, results from an A to G substitution at nucleotide position 1183. The threonine at codon 395 is replaced by alanine, an amino acid with similar properties. This amino acid position is conserved. In addition, this alteration is predicted to be deleterious by in silico analysis. Based on the available evidence, the clinical significance of this variant remains unclear.